The following is an entry in ClinVar:

NM_014915.3(ANKRD26):c.-9G>T

Genes: ANKRD26 (ankyrin repeat domain 26; minus strand), LOC130003554 (ATAC-STARR-seq lymphoblastoid silent region 2243; plus strand). Cytogenetic location: 10p12.1.
Variant type: single nucleotide variant.
Coding change: c.-9G>T on transcript NM_014915.3 (MANE Select); 9 bases upstream of the start codon, G replaced by T.
Molecular consequence: 5 prime UTR variant.
Genome position (GRCh38, 1-based): chr10:27,100,335, C>A on the plus strand (G>T on the coding strand, the complement: ANKRD26 is on the minus strand). VCF-style: chr10-27100335-C-A. GRCh37 (hg19) VCF-style: chr10-27389264-C-A.
Other names: c.-9G>T (NM_001256053.2).
Identifiers: ClinVar variation 1954767 (VCV001954767.5), dbSNP rs1589393443, ClinGen allele CA2580081619.

ClinVar aggregate classification (germline): Uncertain significance (1 of 4 stars; one submission).

Allele frequency attached by ClinVar (database versions not stated): TOPMed below 0.00001.

Submission:

Labcorp Genetics (formerly Invitae), Labcorp
Classification: Uncertain significance. Last evaluated: 2025-03-18. Review status: criteria provided, single submitter. Criteria: Invitae Variant Classification Sherloc (09022015). Collection method: clinical testing. Allele origin: germline.
Comment: This variant occurs in a non-coding region of the ANKRD26 gene. It does not change the encoded amino acid sequence of the ANKRD26 protein. This variant is not present in population databases (gnomAD no frequency). This variant has not been reported in the literature in individuals affected with ANKRD26-related conditions. ClinVar contains an entry for this variant (Variation ID: 1954767). Experimental studies and prediction algorithms are not available or were not evaluated, and the functional significance of this variant is currently unknown. In summary, the available evidence is currently insufficient to determine the role of this variant in disease. Therefore, it has been classified as a Variant of Uncertain Significance.